The following is an entry in ClinVar:

NM_000287.4(PEX6):c.1655G>A (p.Arg552His)

Gene: PEX6 (peroxisomal biogenesis factor 6; minus strand). Cytogenetic location: 6p21.1.
Variant type: single nucleotide variant.
Coding change: c.1655G>A on transcript NM_000287.4 (MANE Select); coding-DNA position 1655, G replaced by A.
Protein change: p.Arg552His; replaces arginine 552 with histidine.
Molecular consequence: missense variant. On other transcripts: non-coding transcript variant (1).
Genome position (GRCh38, 1-based): chr6:42,968,323, C>T on the plus strand (G>A on the coding strand, the complement: PEX6 is on the minus strand). VCF-style: chr6-42968323-C-T. GRCh37 (hg19) VCF-style: chr6-42936061-C-T.
Other names: c.1391G>A, p.Arg464His (NM_001316313.2); short protein forms R464H, R552H.
Identifiers: ClinVar variation 2145710 (VCV002145710.2), dbSNP rs759895120, ClinGen allele CA3811269.

ClinVar aggregate classification (germline): Uncertain significance. Review status: criteria provided, multiple submitters, no conflicts (2 of 4 stars). 2 submissions from 2 submitters: Uncertain significance (2). Last evaluated 2024-02-19.

Conditions:
Peroxisome biogenesis disorder. Identifiers: Orphanet 79189, MedGen C1832200, MONDO:0019234. Disease mechanism: loss of function.

Allele frequency attached by ClinVar (database versions not stated): ExAC 0.00002; TOPMed 0.00002.
gnomAD v4.1: 41 of 1,614,096 alleles (0.0025%); highest among the groups gnomAD compares: Admixed American, 0.005%; no homozygotes.

Submissions (2):

Blueprint Genetics
Classification: Uncertain significance. Last evaluated: 2024-02-19. Review status: criteria provided, single submitter. Criteria: ACMG Guidelines, 2015. Collection method: clinical testing. Allele origin: germline.

Labcorp Genetics (formerly Invitae), Labcorp
Classification: Uncertain significance for Peroxisome biogenesis disorder. Last evaluated: 2022-09-13. Review status: criteria provided, single submitter. Criteria: Invitae Variant Classification Sherloc (09022015). Collection method: clinical testing. Allele origin: germline.
Comment: This sequence change replaces arginine, which is basic and polar, with histidine, which is basic and polar, at codon 552 of the PEX6 protein (p.Arg552His). This variant is present in population databases (rs759895120, gnomAD 0.003%). This variant has not been reported in the literature in individuals affected with PEX6-related conditions. Advanced modeling of protein sequence and biophysical properties (such as structural, functional, and spatial information, amino acid conservation, physicochemical variation, residue mobility, and thermodynamic stability) performed at Invitae indicates that this missense variant is not expected to disrupt PEX6 protein function. In summary, the available evidence is currently insufficient to determine the role of this variant in disease. Therefore, it has been classified as a Variant of Uncertain Significance.